The following is an entry in ClinVar:

GRCh38/hg38 2q21.1(chr2:131351979-131540895)x1

Genes: CCDC74A (coiled-coil domain containing 74A; plus strand), LINC01120 (long independently transcribed non-coding RNA 1120; plus strand), MIR4784 (microRNA 4784), MZT2A (mitotic spindle organizing protein 2A; minus strand), RAB6D (RAB6D, member RAS oncogene family; minus strand) and 5 more. Cytogenetic location: 2q21.1.
Variant type: copy number loss.
Change: copy number 1 (one copy instead of two) of chr2:131,351,979-131,540,895 (188.9 kb, GRCh38 coordinates, 1-based), cytogenetic band 2q21.1.
Identifiers: ClinVar variation 5038284 (VCV005038284.1).

ClinVar aggregate classification (germline): Uncertain significance (1 of 4 stars; one submission).

Submission:

Clinical Genomics Laboratory, Laboratory for Precision Diagnostics, University of Washington
Classification: Uncertain significance. Last evaluated: 2025-03-15. Review status: criteria provided, single submitter. Criteria: ACMG/ClinGen CNV Guidelines, 2019. Collection method: clinical testing. Allele origin: unknown. Affected: yes. Observed: 1 variant allele.
Comment: This deletion is approximately 189kb in size and affects one protein-coding gene, TUBA3D, and several non-coding genes. The deletion fully encompasses the TUBA3D gene (OMIM 617878) which has been associated with autosomal dominant keratoconus (OMIM 617928). In the single case report PMID: 29051577, a heterozygous nonsense variant or a frameshift variant were found in unrelated 2 patients with adolescence-onset keratoconus, but this is the only study of its kind within our knowledge. A review of public databases (ClinVar, DECIPHER, and gnomad) shows no evidence for dosage sensitivity (i.e. haploinsufficiency), and similar and/or overlapping deletions have been reported in the Database of Genomic Variants (DGV). However, these data should be interpreted with caution due to the adolescence-onset nature of this disease.

Literature cited by the submitters: PubMed 29051577.